The following is an entry in ClinVar:

ClinVar aggregate classification (germline): Pathogenic (1 of 4 stars; one submission).

Conditions:
Hereditary cancer-predisposing syndrome. Also called: Neoplastic Syndromes, Hereditary; Tumor predisposition; Hereditary neoplastic syndrome; Hereditary Cancer Syndrome. Identifiers: Orphanet 140162, MedGen C0027672, MeSH D009386, MONDO:0015356.

Submission:

Ambry Genetics
Classification: Pathogenic for Hereditary cancer-predisposing syndrome. Last evaluated: 2023-10-16. Review status: criteria provided, single submitter. Criteria: Ambry Variant Classification Scheme 2023. Collection method: clinical testing. Allele origin: germline.
Comment: The c.381dupA pathogenic mutation, located in coding exon 3 of the BRCA2 gene, results from a duplication of A at nucleotide position 381, causing a translational frameshift with a predicted alternate stop codon (p.D128Rfs*2). This variant is considered to be rare based on population cohorts in the Genome Aggregation Database (gnomAD). This alteration is expected to result in loss of function by premature protein truncation or nonsense-mediated mRNA decay. As such, this alteration is interpreted as a disease-causing mutation.

NM_000059.4(BRCA2):c.381dup (p.Asp128fs)

Gene: BRCA2 (BRCA2 DNA repair associated; plus strand). Cytogenetic location: 13q13.1.
Variant type: Duplication.
Coding change: c.381dup on transcript NM_000059.4 (MANE Select); coding-DNA position 381, one base duplicated (A; older notation c.381dupA).
Protein change: p.Asp128fs; shifts the reading frame from aspartic acid 128.
Molecular consequence: frameshift variant. On other transcripts: non-coding transcript variant (1).
Genome position (GRCh38, 1-based): chr13:32,325,140, A duplicated. VCF-style (leftmost placement, unchanged base first): chr13-32325139-C-CA. GRCh37 (hg19) VCF-style: chr13-32899276-C-CA.
Other names: c.381dup, p.Asp128fs (NM_001406719.1, NM_001406720.1, NM_001406721.1); c.12dup, p.Asp5fs (NM_001406722.1); c.381dupA (NM_000059.3); short protein forms D128fs, D5fs.
Identifiers: ClinVar variation 3226452 (VCV003226452.1), dbSNP rs2548514093, ClinGen allele CA2825002117.
Genomic context (GRCh38, chr13:32,325,139, plus strand): 5'-GGAATGTTCCCAATAGTAGACATAAAAGTCTTCGCACAGTGAAAACTAAAATGGATCAAG[C>CA]AGATGATGTTTCCTGTCCACTTCTAAATTCTTGTCTTAGTGAAAGGTATGATGAAGCTAT-3'